The following is an entry in ClinVar:

ClinVar aggregate classification (germline): Pathogenic (1 of 4 stars; one submission).

Conditions:
Dyskeratosis congenita, autosomal dominant 2. Identifiers: MedGen C3151443, MONDO:0013521, OMIM 613989.
Idiopathic Pulmonary Fibrosis. Also called: Idiopathic fibrosing alveolitis, chronic form; idiopathic fibrosing alveolitis. Identifiers: Orphanet 2032, MedGen C1800706, MeSH D054990, MONDO:0800504.

Submission:

Labcorp Genetics (formerly Invitae), Labcorp
Classification: Pathogenic for Dyskeratosis congenita, autosomal dominant 2; Idiopathic Pulmonary Fibrosis. Last evaluated: 2022-12-10. Review status: criteria provided, single submitter. Criteria: Invitae Variant Classification Sherloc (09022015). Collection method: clinical testing. Allele origin: germline.
Comment: For these reasons, this variant has been classified as Pathogenic. Algorithms developed to predict the effect of sequence changes on RNA splicing suggest that this variant may disrupt the consensus splice site. This variant has not been reported in the literature in individuals affected with TERT-related conditions. This variant is not present in population databases (gnomAD no frequency). This sequence change creates a premature translational stop signal (p.Glu611*) in the TERT gene. It is expected to result in an absent or disrupted protein product. Loss-of-function variants in TERT are known to be pathogenic (PMID: 16247010, 17460043).

Literature cited by the submitters: PubMed 16247010; PubMed 17460043.

NM_198253.3(TERT):c.1831G>T (p.Glu611Ter)

Gene: TERT (telomerase reverse transcriptase; minus strand). Cytogenetic location: 5p15.33.
Variant type: single nucleotide variant.
Coding change: c.1831G>T on transcript NM_198253.3 (MANE Select); coding-DNA position 1831, G replaced by T.
Protein change: p.Glu611Ter; replaces glutamic acid 611 with a stop codon.
Molecular consequence: nonsense. On other transcripts: non-coding transcript variant (2).
Genome position (GRCh38, 1-based): chr5:1,280,277, C>A on the plus strand (G>T on the coding strand, the complement: TERT is on the minus strand). VCF-style: chr5-1280277-C-A. GRCh37 (hg19) VCF-style: chr5-1280392-C-A.
Other names: c.1831G>T, p.Glu611Ter (NM_001193376.3, NM_003219.1); short protein forms E611*.
Identifiers: ClinVar variation 2942182 (VCV002942182.3), dbSNP rs1554041095, ClinGen allele CA359081869.